The following is an entry in ClinVar:

NM_000238.4(KCNH2):c.3262C>A (p.Pro1088Thr)

Gene: KCNH2 (potassium voltage-gated channel subfamily H member 2; minus strand). Cytogenetic location: 7q36.1.
Variant type: single nucleotide variant.
Coding change: c.3262C>A on transcript NM_000238.4 (MANE Select); coding-DNA position 3262, C replaced by A.
Protein change: p.Pro1088Thr; replaces proline 1088 with threonine.
Molecular consequence: missense variant. On other transcripts: non-coding transcript variant (2).
Genome position (GRCh38, 1-based): chr7:150,946,945, G>T on the plus strand (C>A on the coding strand, the complement: KCNH2 is on the minus strand). VCF-style: chr7-150946945-G-T. GRCh37 (hg19) VCF-style: chr7-150644033-G-T.
Other names: c.2242C>A, p.Pro748Thr (NM_172057.3); c.2974C>A, p.Pro992Thr (NM_001406753.1); short protein forms P1088T, P748T, P992T.
Identifiers: ClinVar variation 2721662 (VCV002721662.3), dbSNP rs1800913062, ClinGen allele CA369852087.

ClinVar aggregate classification (germline): Uncertain significance (1 of 4 stars; one submission).

Conditions:
Long QT syndrome (LQTS). Identifiers: MedGen C0023976, MeSH D008133, MONDO:0002442. Disease mechanism: loss of function. Inheritance: Various modes of inheritance.

Submission:

Labcorp Genetics (formerly Invitae), Labcorp
Classification: Uncertain significance for Long QT syndrome. Last evaluated: 2022-10-28. Review status: criteria provided, single submitter. Criteria: Invitae Variant Classification Sherloc (09022015). Collection method: clinical testing. Allele origin: germline.
Comment: In summary, the available evidence is currently insufficient to determine the role of this variant in disease. Therefore, it has been classified as a Variant of Uncertain Significance. Algorithms developed to predict the effect of missense changes on protein structure and function (SIFT, PolyPhen-2, Align-GVGD) all suggest that this variant is likely to be tolerated. This variant has not been reported in the literature in individuals affected with KCNH2-related conditions. This variant is not present in population databases (gnomAD no frequency). This sequence change replaces proline, which is neutral and non-polar, with threonine, which is neutral and polar, at codon 1088 of the KCNH2 protein (p.Pro1088Thr).